The following is an entry in ClinVar:

ClinVar aggregate classification (germline): Uncertain significance (1 of 4 stars; one submission).

Conditions:
Cardiomyopathy (CMYO). Also called: Cardiomyopathies. Identifiers: Orphanet 167848, MedGen C0878544, MONDO:0004994, HP:0001638. Inheritance: Various modes of inheritance.

Submission:

Color Diagnostics, LLC DBA Color Health
Classification: Uncertain significance for Cardiomyopathy. Last evaluated: 2025-08-30. Review status: criteria provided, single submitter. Criteria: ACMG Guidelines, 2015. Collection method: clinical testing. Allele origin: germline.
Comment: This missense variant replaces phenylalanine with leucine at codon 1224 of the MYH7 protein. Computational prediction suggests that this variant may not impact protein structure and function. To our knowledge, functional studies have not been reported for this variant. This variant has not been reported in individuals affected with MYH7-related disorders in the literature. This variant has not been identified in the general population by the Genome Aggregation Database (gnomAD). The available evidence is insufficient to determine the role of this variant in disease conclusively. Therefore, this variant is classified as a Variant of Uncertain Significance.

NM_000257.4(MYH7):c.3670T>C (p.Phe1224Leu)

Gene: MYH7 (myosin heavy chain 7; minus strand). Cytogenetic location: 14q11.2.
Variant type: single nucleotide variant.
Coding change: c.3670T>C on transcript NM_000257.4 (MANE Select); coding-DNA position 3670, T replaced by C.
Protein change: p.Phe1224Leu; replaces phenylalanine 1224 with leucine.
Molecular consequence: missense variant.
Genome position (GRCh38, 1-based): chr14:23,419,901, A>G on the plus strand (T>C on the coding strand, the complement: MYH7 is on the minus strand). VCF-style: chr14-23419901-A-G. GRCh37 (hg19) VCF-style: chr14-23889110-A-G.
Other names: c.3670T>C, p.Phe1224Leu (NM_001407004.1); short protein forms F1224L.
Identifiers: ClinVar variation 4758038 (VCV004758038.1).